The following is an entry in ClinVar:

ClinVar aggregate classification (germline): Conflicting classifications of pathogenicity. Review status: criteria provided, conflicting classifications (1 of 4 stars). 7 submissions from 7 submitters: Uncertain significance (6); Likely benign (1). Last evaluated 2025-10-13.

Conditions:
Breast and/or ovarian cancer. Identifiers: MedGen CN221562.
Fanconi anemia complementation group O. Also called: RAD51C-Related Fanconi Anemia. Identifiers: Orphanet 84, MedGen C3150653, MONDO:0013248, OMIM 613390.
Hereditary cancer-predisposing syndrome. Also called: Tumor predisposition; Hereditary neoplastic syndrome; Neoplastic Syndromes, Hereditary; Hereditary Cancer Syndrome. Identifiers: Orphanet 140162, MedGen C0027672, MeSH D009386, MONDO:0015356.

Submissions (7):

Dasa
Classification: Uncertain significance. Last evaluated: 2025-10-13. Review status: criteria provided, single submitter. Criteria: DASA Assertion Criteria. Collection method: clinical testing. Allele origin: germline.
Comment: NM_058216.3(RAD51C):c.244C>T (p.His82Tyr) is a missense variant that results in the substitution of histidine with tyrosine. This variant is absent from population databases. Computational prediction algorithms are consistent with a benign effect. The currently available literature and clinical evidence are not sufficient to establish a definitive association between this variant and the reported condition. Therefore, this variant is classified as a variant of uncertain significance.

Ambry Genetics
Classification: Likely benign for Hereditary cancer-predisposing syndrome. Last evaluated: 2024-03-08. Review status: criteria provided, single submitter. Criteria: Ambry Variant Classification Scheme 2023. Collection method: clinical testing. Allele origin: germline.

GeneDx
Classification: Uncertain significance. Last evaluated: 2023-02-28. Review status: criteria provided, single submitter. Criteria: GeneDx Variant Classification Process June 2021. Collection method: clinical testing. Allele origin: germline. Affected: yes.
Comment: Not observed at significant frequency in large population cohorts (gnomAD); In silico analysis supports that this missense variant does not alter protein structure/function; Has not been previously published as pathogenic or benign to our knowledge; This variant is associated with the following publications: (PMID: 14704354)

Labcorp Genetics (formerly Invitae), Labcorp
Classification: Uncertain significance for Fanconi anemia complementation group O. Last evaluated: 2022-08-01. Review status: criteria provided, single submitter. Criteria: Invitae Variant Classification Sherloc (09022015). Collection method: clinical testing. Allele origin: germline.
Comment: This variant has not been reported in the literature in individuals affected with RAD51C-related conditions. In summary, the available evidence is currently insufficient to determine the role of this variant in disease. Therefore, it has been classified as a Variant of Uncertain Significance. Algorithms developed to predict the effect of missense changes on protein structure and function (SIFT, PolyPhen-2, Align-GVGD) all suggest that this variant is likely to be tolerated. ClinVar contains an entry for this variant (Variation ID: 492366). This variant is not present in population databases (gnomAD no frequency). This sequence change replaces histidine, which is basic and polar, with tyrosine, which is neutral and polar, at codon 82 of the RAD51C protein (p.His82Tyr).

Institute for Clinical Genetics, University Hospital TU Dresden, University Hospital TU Dresden
Classification: Uncertain significance. Last evaluated: 2021-11-02. Review status: criteria provided, single submitter. Criteria: ACMG Guidelines, 2015. Collection method: clinical testing. Allele origin: germline.

CHEO Genetics Diagnostic Laboratory, Children's Hospital of Eastern Ontario
Classification: Uncertain significance for Breast and/or ovarian cancer. Last evaluated: 2021-01-07. Review status: criteria provided, single submitter. Criteria: ACMG Guidelines, 2015. Collection method: clinical testing. Allele origin: germline.

Color Diagnostics, LLC DBA Color Health
Classification: Uncertain significance for Hereditary cancer-predisposing syndrome. Last evaluated: 2018-11-29. Review status: criteria provided, single submitter. Criteria: ACMG Guidelines, 2015. Collection method: clinical testing. Allele origin: germline.

Literature cited by the submitters: PubMed 33134171 (cited by Ambry Genetics).

NM_058216.3(RAD51C):c.244C>T (p.His82Tyr)

Gene: RAD51C (RAD51 paralog C; plus strand). Cytogenetic location: 17q22.
Variant type: single nucleotide variant.
Coding change: c.244C>T on transcript NM_058216.3 (MANE Select); coding-DNA position 244, C replaced by T.
Protein change: p.His82Tyr; replaces histidine 82 with tyrosine.
Molecular consequence: missense variant. On other transcripts: non-coding transcript variant (2).
Genome position (GRCh38, 1-based): chr17:58,695,029, C>T. VCF-style: chr17-58695029-C-T. GRCh37 (hg19) VCF-style: chr17-56772390-C-T.
Other names: c.244C>T, p.His82Tyr (NM_002876.4); short protein forms H82Y.
Identifiers: ClinVar variation 492366 (VCV000492366.16), dbSNP rs1555593593, ClinGen allele CA400340328.